The following is an entry in ClinVar:

ClinVar aggregate classification (germline): Pathogenic/Likely pathogenic. Review status: criteria provided, multiple submitters, no conflicts (2 of 4 stars). 2 submissions from 2 submitters: Pathogenic (1); Likely pathogenic (1). Last evaluated 2024-03-06.

Conditions:
Joubert syndrome. Also called: CEREBELLOPARENCHYMAL DISORDER IV; JOUBERT-BOLTSHAUSER SYNDROME; Familial aplasia of the vermis. Identifiers: Orphanet 475, MedGen C5979921, MONDO:0018772.
Joubert syndrome 3 (JBTS3). Also called: AHI1-related Ciliopathy. Identifiers: Orphanet 220493, MedGen C1837713, MONDO:0012078, OMIM 608629.

Allele frequency attached by ClinVar (database versions not stated): TOPMed below 0.00001.
gnomAD v4.1: 1 of 1,605,414 alleles (0.000062%); highest among the groups gnomAD compares: Non-Finnish European, 0.000085%; no homozygotes.

Submissions (2):

Fulgent Genetics
Classification: Likely pathogenic for Joubert syndrome 3. Last evaluated: 2024-03-06. Review status: criteria provided, single submitter. Criteria: ACMG Guidelines, 2015. Collection method: clinical testing. Allele origin: germline.

Labcorp Genetics (formerly Invitae), Labcorp
Classification: Pathogenic for Joubert syndrome. Last evaluated: 2023-06-14. Review status: criteria provided, single submitter. Criteria: Invitae Variant Classification Sherloc (09022015). Collection method: clinical testing. Allele origin: germline.
Comment: For these reasons, this variant has been classified as Pathogenic. This variant has not been reported in the literature in individuals affected with AHI1-related conditions. This variant is not present in population databases (gnomAD no frequency). This sequence change creates a premature translational stop signal (p.Ser1144*) in the AHI1 gene. It is expected to result in an absent or disrupted protein product. Loss-of-function variants in AHI1 are known to be pathogenic (PMID: 15322546, 16453322, 28442542, 29186038).

Literature cited by the submitters: PubMed 15322546 (cited by Labcorp Genetics (formerly Invitae), Labcorp); PubMed 16453322 (cited by Labcorp Genetics (formerly Invitae), Labcorp); PubMed 28442542 (cited by Labcorp Genetics (formerly Invitae), Labcorp); PubMed 29186038 (cited by Labcorp Genetics (formerly Invitae), Labcorp).

NM_001134831.2(AHI1):c.3431C>G (p.Ser1144Ter)

Gene: AHI1 (Abelson helper integration site 1; minus strand). Cytogenetic location: 6q23.3.
Variant type: single nucleotide variant.
Coding change: c.3431C>G on transcript NM_001134831.2 (MANE Select); coding-DNA position 3431, C replaced by G.
Protein change: p.Ser1144Ter; replaces serine 1144 with a stop codon.
Molecular consequence: nonsense.
Genome position (GRCh38, 1-based): chr6:135,300,554, G>C on the plus strand (C>G on the coding strand, the complement: AHI1 is on the minus strand). VCF-style: chr6-135300554-G-C. GRCh37 (hg19) VCF-style: chr6-135621692-G-C.
Other names: c.3431C>G, p.Ser1144Ter (NM_001134830.2, NM_001350503.2, NM_001350504.2 and 1 more transcripts); c.3431C>G (NM_017651.4); short protein forms S1144*.
Identifiers: ClinVar variation 2882877 (VCV002882877.4), dbSNP rs982379114, ClinGen allele CA148531303.
Genomic context (GRCh38, chr6:135,300,554, plus strand): 5'-GCTTACTGTGTCATAGATTCTGAGCCTAGTCTGAAGTCCTGGGACTTGTTCTTATTGATT[G>C]ATTGCTGTGGAAGAAGAGGAAAAACAAGTAGTAAGTAAAAAATGAGAAAAGACAACACAG-3'